The following is an entry in ClinVar:

ClinVar aggregate classification (germline): Uncertain significance (1 of 4 stars; one submission).

Submission:

GeneDx
Classification: Uncertain significance. Last evaluated: 2022-03-14. Review status: criteria provided, single submitter. Criteria: GeneDx Variant Classification Process June 2021. Collection method: clinical testing. Allele origin: germline. Affected: yes.
Comment: Not observed at significant frequency in large population cohorts (gnomAD); In silico analysis supports that this missense variant does not alter protein structure/function; Has not been previously published as pathogenic or benign to our knowledge

NM_000135.4(FANCA):c.3112C>T (p.Leu1038Phe)

Gene: FANCA (FA complementation group A; minus strand). Cytogenetic location: 16q24.3.
Variant type: single nucleotide variant.
Coding change: c.3112C>T on transcript NM_000135.4 (MANE Select); coding-DNA position 3112, C replaced by T.
Protein change: p.Leu1038Phe; replaces leucine 1038 with phenylalanine.
Molecular consequence: missense variant.
Genome position (GRCh38, 1-based): chr16:89,749,857, G>A on the plus strand (C>T on the coding strand, the complement: FANCA is on the minus strand). VCF-style: chr16-89749857-G-A. GRCh37 (hg19) VCF-style: chr16-89816265-G-A.
Other names: c.3112C>T, p.Leu1038Phe (NM_001286167.3); short protein forms L1038F.
Identifiers: ClinVar variation 1706294 (VCV001706294.2), dbSNP rs2544130268, ClinGen allele CA16622083.